The following is an entry in ClinVar:

ClinVar aggregate classification (germline): Pathogenic (1 of 4 stars; one submission).

Submission:

Labcorp Genetics (formerly Invitae), Labcorp
Classification: Pathogenic. Last evaluated: 2023-03-18. Review status: criteria provided, single submitter. Criteria: Invitae Variant Classification Sherloc (09022015). Collection method: clinical testing. Allele origin: germline.
Comment: This variant has not been reported in the literature in individuals affected with COL11A1-related conditions. For these reasons, this variant has been classified as Pathogenic. This variant is not present in population databases (gnomAD no frequency). This sequence change creates a premature translational stop signal (p.Pro85Glnfs*21) in the COL11A1 gene. It is expected to result in an absent or disrupted protein product. Loss-of-function variants in COL11A1 are known to be pathogenic (PMID: 20513134, 21035103, 23922384, 25240749, 32427345, 32756486).

Literature cited by the submitters: PubMed 20513134; PubMed 21035103; PubMed 23922384; PubMed 25240749; PubMed 32427345; PubMed 32756486.

NM_001854.4(COL11A1):c.254del (p.Pro85fs)

Gene: COL11A1 (collagen type XI alpha 1 chain; minus strand). Cytogenetic location: 1p21.1.
Variant type: Deletion.
Coding change: c.254del on transcript NM_001854.4 (MANE Select); coding-DNA position 254, one base deleted (C; older notation c.254delC).
Protein change: p.Pro85fs; shifts the reading frame from proline 85.
Molecular consequence: frameshift variant. On other transcripts: non-coding transcript variant (1).
Genome position (GRCh38, 1-based): chr1:103,082,825, G deleted on the plus strand (C on the coding strand, the reverse complement: COL11A1 is on the minus strand); the first of 4 consecutive G bases (chr1:103,082,825-103,082,828); deleting any one gives the same sequence. VCF-style (leftmost placement, unchanged base first): chr1-103082824-TG-T. GRCh37 (hg19) VCF-style: chr1-103548380-TG-T.
Other names: c.251delC, p.Pro85Glnfs (NM_001168249.1); c.254del, p.Pro85fs (NM_001190709.2, NM_080629.3, NM_080630.4); short protein forms P85fs.
Identifiers: ClinVar variation 2847234 (VCV002847234.3), dbSNP rs2526236007, ClinGen allele CA2739275171.